The following is an entry in ClinVar:

NM_004360.5(CDH1):c.2602C>G (p.Arg868Gly)

Gene: CDH1 (cadherin 1; plus strand). Cytogenetic location: 16q22.1.
Variant type: single nucleotide variant.
Coding change: c.2602C>G on transcript NM_004360.5 (MANE Select); coding-DNA position 2602, C replaced by G.
Protein change: p.Arg868Gly; replaces arginine 868 with glycine.
Molecular consequence: missense variant.
Genome position (GRCh38, 1-based): chr16:68,833,452, C>G. VCF-style: chr16-68833452-C-G. GRCh37 (hg19) VCF-style: chr16-68867355-C-G.
Other names: c.2419C>G, p.Arg807Gly (NM_001317184.2); c.1054C>G, p.Arg352Gly (NM_001317185.2); c.637C>G, p.Arg213Gly (NM_001317186.2); short protein forms R352G, R213G, R807G, R868G.
Identifiers: ClinVar variation 3689336 (VCV003689336.2).
Genomic context (GRCh38, chr16:68,833,452, plus strand): 5'-CTGAACTCCTCAGAGTCAGACAAAGACCAGGACTATGACTACTTGAACGAATGGGGCAAT[C>G]GCTTCAAGAAGCTGGCTGACATGTACGGAGGCGGCGAGGACGACTAGGGGACTCGAGAGA-3'
Protein context (NP_004351.1, residues 858-878): DYDYLNEWGN[Arg868Gly]FKKLADMYGG

ClinVar aggregate classification (germline): Uncertain significance (1 of 4 stars; one submission).

Conditions:
Hereditary diffuse gastric adenocarcinoma (HDGC). Also called: DIFFUSE GASTRIC AND LOBULAR BREAST CANCER SYNDROME. Identifiers: Orphanet 26106, MedGen C1708349, MONDO:0007648, OMIM 137215.

Submission:

Labcorp Genetics (formerly Invitae), Labcorp
Classification: Uncertain significance for Hereditary diffuse gastric adenocarcinoma. Last evaluated: 2024-03-06. Review status: criteria provided, single submitter. Criteria: Invitae Variant Classification Sherloc (09022015). Collection method: clinical testing. Allele origin: germline.
Comment: This sequence change replaces arginine, which is basic and polar, with glycine, which is neutral and non-polar, at codon 868 of the CDH1 protein (p.Arg868Gly). This variant is not present in population databases (gnomAD no frequency). This variant has not been reported in the literature in individuals affected with CDH1-related conditions. An algorithm developed to predict the effect of missense changes on protein structure and function (PolyPhen-2) suggests that this variant is likely to be disruptive. In summary, the available evidence is currently insufficient to determine the role of this variant in disease. Therefore, it has been classified as a Variant of Uncertain Significance.